The following is an entry in ClinVar:

ClinVar aggregate classification (germline): Uncertain significance. Review status: criteria provided, multiple submitters, no conflicts (2 of 4 stars). 2 submissions from 2 submitters: Uncertain significance (2). Last evaluated 2022-09-27.

Conditions:
Lysinuric protein intolerance (LPI). Identifiers: Orphanet 470, MedGen C0268647, MONDO:0009109, OMIM 222700.
Inborn genetic diseases. Identifiers: MedGen C0950123, MeSH D030342.

Allele frequency attached by ClinVar (database versions not stated): gnomAD 0.00001; gnomAD exomes 0.00001; TOPMed 0.00003.
gnomAD v4.1: 15 of 1,614,104 alleles (0.00093%); highest among the groups gnomAD compares: African/African-American, 0.004%; no homozygotes.

Submissions (2):

Labcorp Genetics (formerly Invitae), Labcorp
Classification: Uncertain significance for Lysinuric protein intolerance. Last evaluated: 2022-09-27. Review status: criteria provided, single submitter. Criteria: Invitae Variant Classification Sherloc (09022015). Collection method: clinical testing. Allele origin: germline.
Comment: This sequence change replaces isoleucine, which is neutral and non-polar, with valine, which is neutral and non-polar, at codon 269 of the SLC7A7 protein (p.Ile269Val). This variant is present in population databases (rs753264025, gnomAD 0.008%). This variant has not been reported in the literature in individuals affected with SLC7A7-related conditions. Algorithms developed to predict the effect of missense changes on protein structure and function output the following: SIFT: "Tolerated"; PolyPhen-2: "Benign"; Align-GVGD: "Class C0". The valine amino acid residue is found in multiple mammalian species, which suggests that this missense change does not adversely affect protein function. In summary, the available evidence is currently insufficient to determine the role of this variant in disease. Therefore, it has been classified as a Variant of Uncertain Significance.

Ambry Genetics
Classification: Uncertain significance for Inborn genetic diseases. Last evaluated: 2021-10-12. Review status: criteria provided, single submitter. Criteria: Ambry Variant Classification Scheme 2023. Collection method: clinical testing. Allele origin: germline.

NM_003982.4(SLC7A7):c.805A>G (p.Ile269Val)

Gene: SLC7A7 (solute carrier family 7 member 7; minus strand). Cytogenetic location: 14q11.2.
Variant type: single nucleotide variant.
Coding change: c.805A>G on transcript NM_003982.4 (MANE Select); coding-DNA position 805, A replaced by G.
Protein change: p.Ile269Val; replaces isoleucine 269 with valine.
Molecular consequence: missense variant.
Genome position (GRCh38, 1-based): chr14:22,776,284, T>C on the plus strand (A>G on the coding strand, the complement: SLC7A7 is on the minus strand). VCF-style: chr14-22776284-T-C. GRCh37 (hg19) VCF-style: chr14-23245493-T-C.
Other names: c.805A>G, p.Ile269Val (NM_001126105.3, NM_001126106.4); short protein forms I269V.
Identifiers: ClinVar variation 2168386 (VCV002168386.2), dbSNP rs753264025, ClinGen allele CA257726538.